The following is an entry in ClinVar:

ClinVar aggregate classification (germline): Uncertain significance. Review status: criteria provided, multiple submitters, no conflicts (2 of 4 stars). 2 submissions from 2 submitters: Uncertain significance (2). Last evaluated 2024-08-11.

Conditions:
Inborn genetic diseases. Identifiers: MedGen C0950123, MeSH D030342.

Allele frequency attached by ClinVar (database versions not stated): TOPMed below 0.00001.

Submissions (2):

Ambry Genetics
Classification: Uncertain significance for Inborn genetic diseases. Last evaluated: 2024-08-11. Review status: criteria provided, single submitter. Criteria: Ambry Variant Classification Scheme 2023. Collection method: clinical testing. Allele origin: germline.

Labcorp Genetics (formerly Invitae), Labcorp
Classification: Uncertain significance. Last evaluated: 2022-07-25. Review status: criteria provided, single submitter. Criteria: Invitae Variant Classification Sherloc (09022015). Collection method: clinical testing. Allele origin: germline.
Comment: Algorithms developed to predict the effect of missense changes on protein structure and function are either unavailable or do not agree on the potential impact of this missense change (SIFT: "Deleterious"; PolyPhen-2: "Benign"; Align-GVGD: "Class C0"). In summary, the available evidence is currently insufficient to determine the role of this variant in disease. Therefore, it has been classified as a Variant of Uncertain Significance. This variant has not been reported in the literature in individuals affected with MPDZ-related conditions. This variant is not present in population databases (gnomAD no frequency). This sequence change replaces methionine, which is neutral and non-polar, with valine, which is neutral and non-polar, at codon 1238 of the MPDZ protein (p.Met1238Val).

NM_001378778.1(MPDZ):c.3712A>G (p.Met1238Val)

Gene: MPDZ (multiple PDZ domain crumbs cell polarity complex component; minus strand). Cytogenetic location: 9p23.
Variant type: single nucleotide variant.
Coding change: c.3712A>G on transcript NM_001378778.1 (MANE Select); coding-DNA position 3712, A replaced by G.
Protein change: p.Met1238Val; replaces methionine 1238 with valine.
Molecular consequence: missense variant. On other transcripts: intron variant (8).
Genome position (GRCh38, 1-based): chr9:13,147,577, T>C on the plus strand (A>G on the coding strand, the complement: MPDZ is on the minus strand). VCF-style: chr9-13147577-T-C. GRCh37 (hg19) VCF-style: chr9-13147576-T-C.
Other names: c.3712A>G, p.Met1238Val (NM_001261406.2, NM_001261407.2, NM_001330637.2 and 6 more transcripts); c.3630+2934A>G (NM_001375425.1, NM_001375420.1, NM_001375423.1 and 4 more transcripts); c.3432+2934A>G (NM_001375427.1); c.3712A>G (NM_003829.3); short protein forms M1238V.
Identifiers: ClinVar variation 2421935 (VCV002421935.6), dbSNP rs1948602484, ClinGen allele CA372950424.